The following is an entry in ClinVar:

ClinVar aggregate classification (germline): Likely benign. Review status: criteria provided, multiple submitters, no conflicts (2 of 4 stars). 2 submissions from 2 submitters: Likely benign (2). Last evaluated 2025-12-13.

Conditions:
Primary dilated cardiomyopathy (DCM). Also called: Dilated Cardiomyopathy. Identifiers: Orphanet 217604, MedGen C0007193, MeSH D002311, MONDO:0005021, HP:0001644. Inheritance: Various modes of inheritance.

Allele frequency attached by ClinVar (database versions not stated): gnomAD exomes below 0.00001 and 0.00001; TOPMed below 0.00001.
gnomAD v4.1: 16 of 1,553,260 alleles (0.001%); highest among the groups gnomAD compares: Non-Finnish European, 0.0013%; no homozygotes.

Submissions (2):

Labcorp Genetics (formerly Invitae), Labcorp
Classification: Likely benign for Primary dilated cardiomyopathy. Last evaluated: 2025-12-13. Review status: criteria provided, single submitter. Criteria: Invitae Variant Classification Sherloc (09022015). Collection method: clinical testing. Allele origin: germline.

GeneDx
Classification: Likely benign. Last evaluated: 2022-12-21. Review status: criteria provided, single submitter. Criteria: GeneDx Variant Classification Process June 2021. Collection method: clinical testing. Allele origin: germline. Affected: yes.
Comment: See Variant Classification Assertion Criteria.

NM_006393.3(NEBL):c.1119A>G (p.Lys373=)

Gene: NEBL (nebulette; minus strand). Cytogenetic location: 10p12.31.
Variant type: single nucleotide variant.
Coding change: c.1119A>G on transcript NM_006393.3 (MANE Select); coding-DNA position 1119, A replaced by G.
Protein change: p.Lys373=; no amino-acid change (lysine 373 retained).
Molecular consequence: synonymous variant. On other transcripts: intron variant (9).
Genome position (GRCh38, 1-based): chr10:20,845,366, T>C on the plus strand (A>G on the coding strand, the complement: NEBL is on the minus strand). VCF-style: chr10-20845366-T-C. GRCh37 (hg19) VCF-style: chr10-21134295-T-C.
Other names: c.250-32426A>G (NM_001377326.1, NM_001377327.1, NM_001377328.1); c.358-32426A>G (NM_213569.2, NM_001173484.2, NM_001377322.1); c.301-32426A>G (NM_001377324.1); c.292-32426A>G (NM_001377325.1); c.310-32426A>G (NM_001377323.1).
Identifiers: ClinVar variation 844718 (VCV000844718.11), dbSNP rs1381516485, ClinGen allele CA468449309.
Genomic context (GRCh38, chr10:20,845,366, plus strand): 5'-CTTGTCTAAATCCAGTGATGACCTTCCTTTAATCTCCTTCTCAAAATCCTCTTTGTAAAC[T>C]TTCTGTTAAATAAGACCACATAATTTTAAAGTTAGCAAATATCAGTGACCATTGAAAAGA-3'
Protein context (NP_006384.1, residues 363-383): SKEAQKMQSE[Lys373=]VYKEDFEKEI